The following is an entry in ClinVar:

NM_004736.4(XPR1):c.548C>T (p.Ala183Val)

Gene: XPR1 (xenotropic and polytropic retrovirus receptor 1; plus strand). Cytogenetic location: 1q25.3.
Variant type: single nucleotide variant.
Coding change: c.548C>T on transcript NM_004736.4 (MANE Select); coding-DNA position 548, C replaced by T.
Protein change: p.Ala183Val; replaces alanine 183 with valine.
Molecular consequence: missense variant. On other transcripts: non-coding transcript variant (1).
Genome position (GRCh38, 1-based): chr1:180,806,162, C>T. VCF-style: chr1-180806162-C-T. GRCh37 (hg19) VCF-style: chr1-180775298-C-T.
Other names: c.548C>T, p.Ala183Val (NM_001135669.2, NM_001328662.2); short protein forms A183V.
Identifiers: ClinVar variation 4736833 (VCV004736833.1).

ClinVar aggregate classification (germline): Uncertain significance (1 of 4 stars; one submission).

gnomAD v4.1: 1 of 1,613,412 alleles (0.000062%); highest among the groups gnomAD compares: Non-Finnish European, 0.000085%; no homozygotes.

Submission:

Labcorp Genetics (formerly Invitae), Labcorp
Classification: Uncertain significance. Last evaluated: 2025-10-14. Review status: criteria provided, single submitter. Criteria: Invitae Variant Classification Sherloc (09022015). Collection method: clinical testing. Allele origin: germline.
Comment: This sequence change replaces alanine, which is neutral and non-polar, with valine, which is neutral and non-polar, at codon 183 of the XPR1 protein (p.Ala183Val). This variant is not present in population databases (gnomAD no frequency). This variant has not been reported in the literature in individuals affected with XPR1-related conditions. Invitae Evidence Modeling of protein sequence and biophysical properties (such as structural, functional, and spatial information, amino acid conservation, physicochemical variation, residue mobility, and thermodynamic stability) indicates that this missense variant is expected to disrupt XPR1 protein function with a positive predictive value of 80%. In summary, the available evidence is currently insufficient to determine the role of this variant in disease. Therefore, it has been classified as a Variant of Uncertain Significance.